The following is an entry in ClinVar:

ClinVar aggregate classification (germline): Uncertain significance (1 of 4 stars; one submission).

gnomAD v4.1: 1 of 1,610,784 alleles (0.000062%); highest among the groups gnomAD compares: East Asian, 0.0022%; no homozygotes.

Submission:

GeneDx
Classification: Uncertain significance. Last evaluated: 2024-12-30. Review status: criteria provided, single submitter. Criteria: GeneDx Variant Classification Process June 2021. Collection method: clinical testing. Allele origin: germline. Affected: yes.
Comment: Not observed at significant frequency in large population cohorts (gnomAD); In silico analysis supports that this missense variant has a deleterious effect on protein structure/function; Has not been previously published as pathogenic or benign to our knowledge

NM_000548.5(TSC2):c.2538C>G (p.Phe846Leu)

Gene: TSC2 (TSC complex subunit 2; plus strand). Cytogenetic location: 16p13.3.
Variant type: single nucleotide variant.
Coding change: c.2538C>G on transcript NM_000548.5 (MANE Select); coding-DNA position 2538, C replaced by G.
Protein change: p.Phe846Leu; replaces phenylalanine 846 with leucine.
Molecular consequence: missense variant. On other transcripts: non-coding transcript variant (5).
Genome position (GRCh38, 1-based): chr16:2,074,382, C>G. VCF-style: chr16-2074382-C-G. GRCh37 (hg19) VCF-style: chr16-2124383-C-G.
Other names: c.2538C>G, p.Phe846Leu (NM_001077183.3, NM_001114382.3, NM_001363528.2 and 6 more transcripts); c.2427C>G, p.Phe809Leu (NM_001318827.2, NM_001406670.1, NM_001406678.1); c.2391C>G, p.Phe797Leu (NM_001318829.2, NM_001406675.1, NM_001406676.1 and 1 more transcripts); c.1938C>G, p.Phe646Leu (NM_001318831.2, NM_001406680.1, NM_001406682.1 and 6 more transcripts); c.2571C>G, p.Phe857Leu (NM_001318832.2); c.2628C>G, p.Phe876Leu (NM_001406667.1, NM_001406668.1); c.2526C>G, p.Phe842Leu (NM_001406671.1, NM_001406673.1); c.2481C>G, p.Phe827Leu (NM_001406677.1); and 3 more; short protein forms F312L, F398L, F646L, F692L, F797L, F809L, F827L, F842L.
Identifiers: ClinVar variation 3908051 (VCV003908051.1).
Genomic context (GRCh38, chr16:2,074,382, plus strand): 5'-GGTGGTGAAGCTCACGCACATCTCAGCCACAGCCAGCATGGCCGTCCCACTGCTGGAGTT[C>G]CTGTCCAGTGAGTCCCCGCCCTGCCTGCGCATGCACCCGAGAGGTTCGGGCTGTGTAACC-3'
Protein context (NP_000539.2, residues 836-856): TASMAVPLLE[Phe846Leu]LSTLARLPHL